The following is an entry in ClinVar:

ClinVar aggregate classification (germline): Uncertain significance (1 of 4 stars; one submission).

gnomAD v4.1: 1 of 1,604,582 alleles (0.000062%); highest among the groups gnomAD compares: South Asian, 0.0011%; no homozygotes.

Submission:

Labcorp Genetics (formerly Invitae), Labcorp
Classification: Uncertain significance. Last evaluated: 2024-03-13. Review status: criteria provided, single submitter. Criteria: Invitae Variant Classification Sherloc (09022015). Collection method: clinical testing. Allele origin: germline.
Comment: This sequence change replaces glycine, which is neutral and non-polar, with glutamic acid, which is acidic and polar, at codon 170 of the PCNT protein (p.Gly170Glu). This variant is present in population databases (rs761232554, gnomAD 0.003%). This variant has not been reported in the literature in individuals affected with PCNT-related conditions. An algorithm developed to predict the effect of missense changes on protein structure and function (PolyPhen-2) suggests that this variant is likely to be tolerated. In summary, the available evidence is currently insufficient to determine the role of this variant in disease. Therefore, it has been classified as a Variant of Uncertain Significance.

NM_006031.6(PCNT):c.509G>A (p.Gly170Glu)

Gene: PCNT (pericentrin; plus strand). Cytogenetic location: 21q22.3.
Variant type: single nucleotide variant.
Coding change: c.509G>A on transcript NM_006031.6 (MANE Select); coding-DNA position 509, G replaced by A.
Protein change: p.Gly170Glu; replaces glycine 170 with glutamic acid.
Molecular consequence: missense variant.
Genome position (GRCh38, 1-based): chr21:46,334,638, G>A. VCF-style: chr21-46334638-G-A. GRCh37 (hg19) VCF-style: chr21-47754552-G-A.
Other names: c.155G>A, p.Gly52Glu (NM_001315529.2); short protein forms G52E, G170E.
Identifiers: ClinVar variation 3687831 (VCV003687831.2).
Genomic context (GRCh38, chr21:46,334,638, plus strand): 5'-ACCACCCACCAGAACAGCATGGGATGTTCACAGTCAGTGACCACCCACCAGAACAGCGTG[G>A]GATGTTCACAATCAGTGACCACCAACCGGAACAGCGTGGGATGTTCACAGTCAGTGACCA-3'
Protein context (NP_006022.3, residues 160-180): TVSDHPPEQR[Gly170Glu]MFTISDHQPE